The following is an entry in ClinVar:

NM_000038.6(APC):c.3334A>G (p.Thr1112Ala)

Gene: APC (APC regulator of Wnt signaling pathway; plus strand). Cytogenetic location: 5q22.2.
Variant type: single nucleotide variant.
Coding change: c.3334A>G on transcript NM_000038.6 (MANE Select); coding-DNA position 3334, A replaced by G.
Protein change: p.Thr1112Ala; replaces threonine 1112 with alanine.
Molecular consequence: missense variant.
Genome position (GRCh38, 1-based): chr5:112,838,928, A>G. VCF-style: chr5-112838928-A-G. GRCh37 (hg19) VCF-style: chr5-112174625-A-G.
Other names: c.2485A>G, p.Thr829Ala (NM_001354906.2); c.3334A>G, p.Thr1112Ala (NM_001127510.3, NM_001354895.2); c.3280A>G, p.Thr1094Ala (NM_001127511.3); c.3388A>G, p.Thr1130Ala (NM_001354896.2); c.3364A>G, p.Thr1122Ala (NM_001354897.2); c.3259A>G, p.Thr1087Ala (NM_001354898.2); c.3250A>G, p.Thr1084Ala (NM_001354899.2); c.3211A>G, p.Thr1071Ala (NM_001354900.2); and 5 more; short protein forms T1094A, T1130A, T952A, T1122A, T986A, T1011A, T1053A, T829A.
Identifiers: ClinVar variation 823620 (VCV000823620.8), dbSNP rs759718547, ClinGen allele CA035066.

ClinVar aggregate classification (germline): Uncertain significance. Review status: criteria provided, multiple submitters, no conflicts (2 of 4 stars). 3 submissions from 3 submitters: Uncertain significance (3). Last evaluated 2023-12-04.

Conditions:
Hereditary cancer-predisposing syndrome. Also called: Neoplastic Syndromes, Hereditary; Tumor predisposition; Hereditary neoplastic syndrome; Hereditary Cancer Syndrome. Identifiers: Orphanet 140162, MedGen C0027672, MeSH D009386, MONDO:0015356.
Familial adenomatous polyposis 1 (FAP1). Also called: POLYPOSIS, ADENOMATOUS INTESTINAL; FAMILIAL ADENOMATOUS POLYPOSIS 1, ATTENUATED. Identifiers: MedGen C2713442, MONDO:0021056, OMIM 175100. Disease mechanism: loss of function.

Allele frequency attached by ClinVar (database versions not stated): ExAC 0.00001; gnomAD exomes 0.00001.
gnomAD v4.1: 3 of 1,614,152 alleles (0.00019%); highest among the groups gnomAD compares: South Asian, 0.0033%; no homozygotes.

Submissions (3):

GeneDx
Classification: Uncertain significance. Last evaluated: 2023-12-04. Review status: criteria provided, single submitter. Criteria: GeneDx Variant Classification Process June 2021. Collection method: clinical testing. Allele origin: germline. Affected: yes.
Comment: Not observed at significant frequency in large population cohorts (gnomAD); In silico analysis supports that this missense variant does not alter protein structure/function; Has not been previously published as pathogenic or benign to our knowledge; This variant is associated with the following publications: (PMID: 18199528)

Labcorp Genetics (formerly Invitae), Labcorp
Classification: Uncertain significance for Familial adenomatous polyposis 1. Last evaluated: 2023-05-12. Review status: criteria provided, single submitter. Criteria: Invitae Variant Classification Sherloc (09022015). Collection method: clinical testing. Allele origin: germline.
Comment: This variant is present in population databases (rs759718547, gnomAD 0.007%). This variant has not been reported in the literature in individuals affected with APC-related conditions. ClinVar contains an entry for this variant (Variation ID: 823620). Advanced modeling of protein sequence and biophysical properties (such as structural, functional, and spatial information, amino acid conservation, physicochemical variation, residue mobility, and thermodynamic stability) performed at Invitae indicates that this missense variant is not expected to disrupt APC protein function. In summary, the available evidence is currently insufficient to determine the role of this variant in disease. Therefore, it has been classified as a Variant of Uncertain Significance. This sequence change replaces threonine, which is neutral and polar, with alanine, which is neutral and non-polar, at codon 1112 of the APC protein (p.Thr1112Ala).

Ambry Genetics
Classification: Uncertain significance for Hereditary cancer-predisposing syndrome. Last evaluated: 2019-08-13. Review status: criteria provided, single submitter. Criteria: Ambry Variant Classification Scheme 2023. Collection method: clinical testing. Allele origin: germline.
Comment: The p.T1112A variant (also known as c.3334A>G), located in coding exon 15 of the APC gene, results from an A to G substitution at nucleotide position 3334. The threonine at codon 1112 is replaced by alanine, an amino acid with similar properties. This amino acid position is not well conserved in available vertebrate species. In addition, in silico predictors for this gene do not accurately predict pathogenicity. Since supporting evidence is limited at this time, the clinical significance of this alteration remains unclear.